The following is an entry in ClinVar:

ClinVar aggregate classification (germline): Uncertain significance (1 of 4 stars; one submission).

Conditions:
Severe combined immunodeficiency due to DNA-PKcs deficiency. Also called: IMMUNODEFICIENCY 26 WITH NEUROLOGIC ABNORMALITIES; Immunodeficiency 26 with or without neurologic abnormalities. Identifiers: Orphanet 317425, MedGen C4014833, MONDO:0014423, OMIM 615966.

Allele frequency attached by ClinVar (database versions not stated): gnomAD exomes below 0.00001; ExAC 0.00001; gnomAD 0.00004; TOPMed 0.00005.
gnomAD v4.1: 7 of 1,613,794 alleles (0.00043%); highest among the groups gnomAD compares: African/African-American, 0.008%; no homozygotes.

Submission:

Labcorp Genetics (formerly Invitae), Labcorp
Classification: Uncertain significance for Severe combined immunodeficiency due to DNA-PKcs deficiency. Last evaluated: 2022-09-06. Review status: criteria provided, single submitter. Criteria: Invitae Variant Classification Sherloc (09022015). Collection method: clinical testing. Allele origin: germline.
Comment: This sequence change replaces glycine, which is neutral and non-polar, with arginine, which is basic and polar, at codon 3709 of the PRKDC protein (p.Gly3709Arg). This variant is present in population databases (rs749130474, gnomAD 0.004%). This variant has not been reported in the literature in individuals affected with PRKDC-related conditions. ClinVar contains an entry for this variant (Variation ID: 1401621). Experimental studies and prediction algorithms are not available or were not evaluated, and the functional significance of this variant is currently unknown. In summary, the available evidence is currently insufficient to determine the role of this variant in disease. Therefore, it has been classified as a Variant of Uncertain Significance.

NM_006904.7(PRKDC):c.11125G>A (p.Gly3709Arg)

Gene: PRKDC (protein kinase, DNA-activated, catalytic subunit; minus strand). Cytogenetic location: 8q11.21.
Variant type: single nucleotide variant.
Coding change: c.11125G>A on transcript NM_006904.7 (MANE Select); coding-DNA position 11125, G replaced by A.
Protein change: p.Gly3709Arg; replaces glycine 3709 with arginine.
Molecular consequence: missense variant.
Genome position (GRCh38, 1-based): chr8:47,783,792, C>T on the plus strand (G>A on the coding strand, the complement: PRKDC is on the minus strand). VCF-style: chr8-47783792-C-T. GRCh37 (hg19) VCF-style: chr8-48696353-C-T.
Other names: c.11125G>A, p.Gly3709Arg (NM_001081640.2); short protein forms G3709R.
Identifiers: ClinVar variation 1401621 (VCV001401621.3), dbSNP rs749130474, ClinGen allele CA4739171.